The following is an entry in ClinVar:

NM_000051.4(ATM):c.7294A>T (p.Ile2432Phe)

Genes: C11orf65 (chromosome 11 open reading frame 65; minus strand), ATM (ATM serine/threonine kinase; plus strand). Cytogenetic location: 11q22.3.
Variant type: single nucleotide variant.
Coding change: c.7294A>T on transcript NM_000051.4 (MANE Select); coding-DNA position 7294, A replaced by T.
Protein change: p.Ile2432Phe; replaces isoleucine 2432 with phenylalanine.
Molecular consequence: missense variant. On other transcripts: intron variant (2).
Genome position (GRCh38, 1-based): chr11:108,329,225, A>T. VCF-style: chr11-108329225-A-T. GRCh37 (hg19) VCF-style: chr11-108199952-A-T.
Other names: c.7294A>T, p.Ile2432Phe (NM_001351834.2); c.641-20154T>A (NM_001330368.2); c.*38+5995T>A (NM_001351110.2); short protein forms I2432F.
Identifiers: ClinVar variation 141557 (VCV000141557.17), dbSNP rs587781838, ClinGen allele CA165771.

ClinVar aggregate classification (germline): Conflicting classifications of pathogenicity. Review status: criteria provided, conflicting classifications (1 of 4 stars). 4 submissions from 4 submitters: Uncertain significance (3); Likely benign (1). Last evaluated 2026-01-12.

Conditions:
Hereditary cancer-predisposing syndrome. Also called: Neoplastic Syndromes, Hereditary; Hereditary Cancer Syndrome; Tumor predisposition; Hereditary neoplastic syndrome. Identifiers: Orphanet 140162, MedGen C0027672, MeSH D009386, MONDO:0015356.
Ataxia-telangiectasia syndrome (AT). Also called: Ataxia-telangiectasia, complementation group D; AT, COMPLEMENTATION GROUP C; Ataxia-telangiectasia; ATAXIA-TELANGIECTASIA, COMPLEMENTATION GROUP A; ATAXIA-TELANGIECTASIA, FRESNO VARIANT; Ataxia-telangiectasia, complementation group E. Identifiers: Orphanet 100, MedGen C0004135, MONDO:0008840, OMIM 208900.

Allele frequency attached by ClinVar (database versions not stated): gnomAD exomes below 0.00001.
gnomAD v4.1: 7 of 1,613,116 alleles (0.00043%); highest among the groups gnomAD compares: Non-Finnish European, 0.00059%; no homozygotes.

Submissions (4):

Labcorp Genetics (formerly Invitae), Labcorp
Classification: Uncertain significance for Ataxia-telangiectasia syndrome. Last evaluated: 2026-01-12. Review status: criteria provided, single submitter. Criteria: Invitae Variant Classification Sherloc (09022015). Collection method: clinical testing. Allele origin: germline.
Comment: This sequence change replaces isoleucine, which is neutral and non-polar, with phenylalanine, which is neutral and non-polar, at codon 2432 of the ATM protein (p.Ile2432Phe). This variant is present in population databases (rs587781838, gnomAD 0.0009%). This variant has not been reported in the literature in individuals affected with ATM-related conditions. ClinVar contains an entry for this variant (Variation ID: 141557). Invitae Evidence Modeling of protein sequence and biophysical properties (such as structural, functional, and spatial information, amino acid conservation, physicochemical variation, residue mobility, and thermodynamic stability) indicates that this missense variant is not expected to disrupt ATM protein function with a negative predictive value of 95%. In summary, the available evidence is currently insufficient to determine the role of this variant in disease. Therefore, it has been classified as a Variant of Uncertain Significance.

Quest Diagnostics Nichols Institute San Juan Capistrano
Classification: Uncertain significance. Last evaluated: 2025-09-11. Review status: criteria provided, single submitter. Criteria: Quest Diagnostics criteria. Collection method: clinical testing. Allele origin: unknown.

GeneDx
Classification: Uncertain significance. Last evaluated: 2023-09-19. Review status: criteria provided, single submitter. Criteria: GeneDx Variant Classification Process June 2021. Collection method: clinical testing. Allele origin: germline. Affected: yes.
Comment: Not observed at significant frequency in large population cohorts (gnomAD); In silico analysis supports that this missense variant has a deleterious effect on protein structure/function; Observed in an individual with breast cancer who also harbored a BRCA2 pathogenic variant (Bunnell et al., 2017); This variant is associated with the following publications: (PMID: 23532176, 27276934)

Ambry Genetics
Classification: Likely benign for Hereditary cancer-predisposing syndrome. Last evaluated: 2019-11-29. Review status: criteria provided, single submitter. Criteria: Ambry Variant Classification Scheme 2023. Collection method: clinical testing. Allele origin: germline.